The following is an entry in ClinVar:

ClinVar aggregate classification (germline): Uncertain significance (1 of 4 stars; one submission).

Conditions:
Early Myoclonic Encephalopathy. Identifiers: MedGen C0270855.

Allele frequency attached by ClinVar (database versions not stated): gnomAD exomes 0.00001; ExAC 0.00003.
gnomAD v4.1: 20 of 1,609,334 alleles (0.0012%); highest among the groups gnomAD compares: East Asian, 0.045%; no homozygotes.

Submission:

Labcorp Genetics (formerly Invitae), Labcorp
Classification: Uncertain significance for Early Myoclonic Encephalopathy. Last evaluated: 2024-01-02. Review status: criteria provided, single submitter. Criteria: Invitae Variant Classification Sherloc (09022015). Collection method: clinical testing. Allele origin: germline.
Comment: This sequence change replaces glutamic acid, which is acidic and polar, with aspartic acid, which is acidic and polar, at codon 2029 of the JMJD1C protein (p.Glu2029Asp). This variant is present in population databases (rs763839267, gnomAD 0.03%). This variant has not been reported in the literature in individuals affected with JMJD1C-related conditions. Advanced modeling of protein sequence and biophysical properties (such as structural, functional, and spatial information, amino acid conservation, physicochemical variation, residue mobility, and thermodynamic stability) performed at Invitae indicates that this missense variant is not expected to disrupt JMJD1C protein function with a negative predictive value of 80%. In summary, the available evidence is currently insufficient to determine the role of this variant in disease. Therefore, it has been classified as a Variant of Uncertain Significance.

NM_032776.3(JMJD1C):c.6087A>C (p.Glu2029Asp)

Gene: JMJD1C (jumonji domain containing 1C; minus strand). Cytogenetic location: 10q21.3.
Variant type: single nucleotide variant.
Coding change: c.6087A>C on transcript NM_032776.3 (MANE Select); coding-DNA position 6087, A replaced by C.
Protein change: p.Glu2029Asp; replaces glutamic acid 2029 with aspartic acid.
Molecular consequence: missense variant. On other transcripts: non-coding transcript variant (1).
Genome position (GRCh38, 1-based): chr10:63,191,098, T>G on the plus strand (A>C on the coding strand, the complement: JMJD1C is on the minus strand). VCF-style: chr10-63191098-T-G. GRCh37 (hg19) VCF-style: chr10-64950858-T-G.
Other names: c.5541A>C, p.Glu1847Asp (NM_001282948.2, NM_001318154.2); c.5223A>C, p.Glu1741Asp (NM_001318153.2); c.5973A>C, p.Glu1991Asp (NM_001322252.2); c.5430A>C, p.Glu1810Asp (NM_001322254.2, NM_001322258.2); short protein forms E1741D, E1991D, E1810D, E1847D, E2029D.
Identifiers: ClinVar variation 2857924 (VCV002857924.3), dbSNP rs763839267, ClinGen allele CA5517936.